The following is an entry in ClinVar:

ClinVar aggregate classification (germline): Uncertain significance (1 of 4 stars; one submission).

Conditions:
Primary ciliary dyskinesia. Also called: Ciliary dyskinesia. Identifiers: Orphanet 244, MedGen C0008780, MONDO:0016575, HP:0012265.

Submission:

Ambry Genetics
Classification: Uncertain significance for Primary ciliary dyskinesia. Last evaluated: 2021-12-02. Review status: criteria provided, single submitter. Criteria: Ambry Variant Classification Scheme 2023. Collection method: clinical testing. Allele origin: germline.
Comment: The p.C2271Y variant (also known as c.6812G>A), located in coding exon 41 of the DNAH5 gene, results from a G to A substitution at nucleotide position 6812. The cysteine at codon 2271 is replaced by tyrosine, an amino acid with highly dissimilar properties. This amino acid position is conserved. In addition, this alteration is predicted to be deleterious by in silico analysis. Since supporting evidence is limited at this time, the clinical significance of this alteration remains unclear.

NM_001369.3(DNAH5):c.6812G>A (p.Cys2271Tyr)

Gene: DNAH5 (dynein axonemal heavy chain 5; minus strand). Cytogenetic location: 5p15.2.
Variant type: single nucleotide variant.
Coding change: c.6812G>A on transcript NM_001369.3 (MANE Select); coding-DNA position 6812, G replaced by A.
Protein change: p.Cys2271Tyr; replaces cysteine 2271 with tyrosine.
Molecular consequence: missense variant.
Genome position (GRCh38, 1-based): chr5:13,820,375, C>T on the plus strand (G>A on the coding strand, the complement: DNAH5 is on the minus strand). VCF-style: chr5-13820375-C-T. GRCh37 (hg19) VCF-style: chr5-13820484-C-T.
Other names: short protein forms C2271Y.
Identifiers: ClinVar variation 1755584 (VCV001755584.2), dbSNP rs1441567937, ClinGen allele CA359194736.